The following is an entry in ClinVar:

ClinVar aggregate classification (germline): Uncertain significance (1 of 4 stars; one submission).

Conditions:
Leigh syndrome (NULS). Also called: Leigh's necrotizing encephalopathy; Leigh's disease; Leigh Syndrome (mtDNA deletion); Leigh Disease; Subacute necrotizing encephalopathy; Necrotizing encephalopathy infantile subacute of Leigh. Identifiers: Orphanet 506, MedGen C2931891, MONDO:0009723, OMIM 256000.

Submission:

Wong Mito Lab, Molecular and Human Genetics, Baylor College of Medicine
Classification: Uncertain significance for Leigh syndrome. Last evaluated: 2019-10-17. Review status: criteria provided, single submitter. Criteria: Modified ACMG Guidelines (Unpublished). Collection method: clinical testing. Allele origin: germline.
Comment: The NC_012920.1:m.8954T>C (YP_003024031.1:p.Ile143Thr) variant in MTATP6 gene is interpretated to be a Uncertain Significance variant based on the modified ACMG guidelines (unpublished). This variant meets the following evidence codes: PP3, BS4

NC_012920.1(MT-ATP6):m.8954T>C

Gene: MT-ATP6 (mitochondrially encoded ATP synthase 6; plus strand).
Variant type: single nucleotide variant.
Genome position: chrM-8954-T-C.
Identifiers: ClinVar variation 693035 (VCV000693035.1), dbSNP rs1556423576, ClinGen allele CA414799154.
Genomic context (GRCh38, chrMT:8,954, plus strand): 5'-ATGCCCTAGCCCACTTCTTACCACAAGGCACACCTACACCCCTTATCCCCATACTAGTTA[T>C]TATCGAAACCATCAGCCTACTCATTCAACCAATAGCCCTGGCCGTACGCCTAACCGCTAA-3'